The following is an entry in ClinVar:

ClinVar aggregate classification (germline): Uncertain significance (1 of 4 stars; one submission).

Submission:

Labcorp Genetics (formerly Invitae), Labcorp
Classification: Uncertain significance. Last evaluated: 2024-10-05. Review status: criteria provided, single submitter. Criteria: Invitae Variant Classification Sherloc (09022015). Collection method: clinical testing. Allele origin: germline.
Comment: This sequence change replaces histidine, which is basic and polar, with tyrosine, which is neutral and polar, at codon 112 of the C8A protein (p.His112Tyr). This variant is not present in population databases (gnomAD no frequency). This variant has not been reported in the literature in individuals affected with C8A-related conditions. An algorithm developed to predict the effect of missense changes on protein structure and function outputs the following: PolyPhen-2: "Benign". The tyrosine amino acid residue is found in multiple mammalian species, which suggests that this missense change does not adversely affect protein function. In summary, the available evidence is currently insufficient to determine the role of this variant in disease. Therefore, it has been classified as a Variant of Uncertain Significance.

NM_000562.3(C8A):c.334C>T (p.His112Tyr)

Gene: C8A (complement C8 alpha chain; plus strand). Cytogenetic location: 1p32.2.
Variant type: single nucleotide variant.
Coding change: c.334C>T on transcript NM_000562.3 (MANE Select); coding-DNA position 334, C replaced by T.
Protein change: p.His112Tyr; replaces histidine 112 with tyrosine.
Molecular consequence: missense variant.
Genome position (GRCh38, 1-based): chr1:56,876,079, C>T. VCF-style: chr1-56876079-C-T. GRCh37 (hg19) VCF-style: chr1-57341752-C-T.
Other names: short protein forms H112Y.
Identifiers: ClinVar variation 3630867 (VCV003630867.2).